The following is an entry in ClinVar:

NM_181303.2(NLGN3):c.1225G>A (p.Glu409Lys)

Gene: NLGN3 (neuroligin 3; plus strand). Cytogenetic location: Xq13.1.
Variant type: single nucleotide variant.
Coding change: c.1225G>A on transcript NM_181303.2 (MANE Select); coding-DNA position 1225, G replaced by A.
Protein change: p.Glu409Lys; replaces glutamic acid 409 with lysine.
Molecular consequence: missense variant.
Genome position (GRCh38, 1-based): chrX:71,167,322, G>A. VCF-style: chrX-71167322-G-A. GRCh37 (hg19) VCF-style: chrX-70387172-G-A.
Other names: c.1105G>A, p.Glu369Lys (NM_001166660.2); c.814G>A, p.Glu272Lys (NM_001321276.2, NM_001438298.1); c.874G>A, p.Glu292Lys (NM_001437941.1, NM_001438296.1); c.1165G>A, p.Glu389Lys (NM_018977.4); short protein forms E272K, E292K, E369K, E389K, E409K.
Identifiers: ClinVar variation 5018008 (VCV005018008.1).

ClinVar aggregate classification (germline): Uncertain significance (1 of 4 stars; one submission).

Submission:

GeneDx
Classification: Uncertain significance. Last evaluated: 2026-03-31. Review status: criteria provided, single submitter. Criteria: GeneDx Variant Classification Process June 2021. Collection method: clinical testing. Allele origin: germline.
Comment: Not observed at significant frequency in large population cohorts (gnomAD); In silico analysis supports that this missense variant has a deleterious effect on protein structure/function; Has not been previously published as pathogenic or benign to our knowledge